The following is an entry in ClinVar:

ClinVar aggregate classification (germline): Uncertain significance (1 of 4 stars; one submission).

Conditions:
Inborn genetic diseases. Identifiers: MedGen C0950123, MeSH D030342.

Submission:

Ambry Genetics
Classification: Uncertain significance for Inborn genetic diseases. Last evaluated: 2024-12-29. Review status: criteria provided, single submitter. Criteria: Ambry Variant Classification Scheme 2023. Collection method: clinical testing. Allele origin: germline.
Comment: The p.S682L variant (also known as c.2045C>T), located in coding exon 1 of the SAMD9L gene, results from a C to T substitution at nucleotide position 2045. The serine at codon 682 is replaced by leucine, an amino acid with dissimilar properties. This amino acid position is conserved. In addition, this alteration is predicted to be tolerated by in silico analysis. Based on the available evidence, the clinical significance of this variant remains unclear.

NM_152703.5(SAMD9L):c.2045C>T (p.Ser682Leu)

Gene: SAMD9L (sterile alpha motif domain containing 9 like; minus strand). Cytogenetic location: 7q21.2.
Variant type: single nucleotide variant.
Coding change: c.2045C>T on transcript NM_152703.5 (MANE Select); coding-DNA position 2045, C replaced by T.
Protein change: p.Ser682Leu; replaces serine 682 with leucine.
Molecular consequence: missense variant.
Genome position (GRCh38, 1-based): chr7:93,133,927, G>A on the plus strand (C>T on the coding strand, the complement: SAMD9L is on the minus strand). VCF-style: chr7-93133927-G-A. GRCh37 (hg19) VCF-style: chr7-92763240-G-A.
Other names: c.2045C>T, p.Ser682Leu (NM_001303496.3, NM_001303497.3, NM_001303498.3 and 5 more transcripts); short protein forms S682L.
Identifiers: ClinVar variation 3792257 (VCV003792257.1).
Genomic context (GRCh38, chr7:93,133,927, plus strand): 5'-GAAGAAAAATAGAAGTTCCACCAGGATACTTTGCCACCTCGATAAAAGTGTTCTTCTTTT[G>A]ATTTCTTAAACTCCAGGAATTTAGATTTGTCTTTCTCGATGTCTGTCTCTGTACACTCAT-3'
Protein context (NP_689916.2, residues 672-692): DKSKFLEFKK[Ser682Leu]KEEHFYRGGK